The following is an entry in ClinVar:

ClinVar aggregate classification (germline): Uncertain significance (1 of 4 stars; one submission).

gnomAD v4.1: 2 of 1,606,658 alleles (0.00012%); highest among the groups gnomAD compares: Non-Finnish European, 0.00017%; no homozygotes.

Submission:

Labcorp Genetics (formerly Invitae), Labcorp
Classification: Uncertain significance. Last evaluated: 2022-12-03. Review status: criteria provided, single submitter. Criteria: Invitae Variant Classification Sherloc (09022015). Collection method: clinical testing. Allele origin: germline.
Comment: In summary, the available evidence is currently insufficient to determine the role of this variant in disease. Therefore, it has been classified as a Variant of Uncertain Significance. Advanced modeling of protein sequence and biophysical properties (such as structural, functional, and spatial information, amino acid conservation, physicochemical variation, residue mobility, and thermodynamic stability) performed at Invitae indicates that this missense variant is not expected to disrupt POLE protein function. ClinVar contains an entry for this variant (Variation ID: 841516). This variant has not been reported in the literature in individuals affected with POLE-related conditions. This variant is not present in population databases (gnomAD no frequency). This sequence change replaces glutamine, which is neutral and polar, with glutamic acid, which is acidic and polar, at codon 1711 of the POLE protein (p.Gln1711Glu).

NM_006231.4(POLE):c.5131C>G (p.Gln1711Glu)

Gene: POLE (DNA polymerase epsilon, catalytic subunit; minus strand). Cytogenetic location: 12q24.33.
Variant type: single nucleotide variant.
Coding change: c.5131C>G on transcript NM_006231.4 (MANE Select); coding-DNA position 5131, C replaced by G.
Protein change: p.Gln1711Glu; replaces glutamine 1711 with glutamic acid.
Molecular consequence: missense variant.
Genome position (GRCh38, 1-based): chr12:132,642,219, G>C on the plus strand (C>G on the coding strand, the complement: POLE is on the minus strand). VCF-style: chr12-132642219-G-C. GRCh37 (hg19) VCF-style: chr12-133218805-G-C.
Other names: short protein forms Q1711E.
Identifiers: ClinVar variation 841516 (VCV000841516.9), dbSNP rs774619692, ClinGen allele CA387376771.